The following is an entry in ClinVar:

NM_005430.4(WNT1):c.1018C>A (p.Arg340Ser)

Gene: WNT1 (Wnt family member 1; plus strand). Cytogenetic location: 12q13.12.
Variant type: single nucleotide variant.
Coding change: c.1018C>A on transcript NM_005430.4 (MANE Select); coding-DNA position 1018, C replaced by A.
Protein change: p.Arg340Ser; replaces arginine 340 with serine.
Molecular consequence: missense variant.
Genome position (GRCh38, 1-based): chr12:48,981,545, C>A. VCF-style: chr12-48981545-C-A. GRCh37 (hg19) VCF-style: chr12-49375328-C-A.
Other names: short protein forms R340S.
Identifiers: ClinVar variation 3333191 (VCV003333191.2).

ClinVar aggregate classification (germline): Uncertain significance. Review status: criteria provided, multiple submitters, no conflicts (2 of 4 stars). 2 submissions from 2 submitters: Uncertain significance (2). Last evaluated 2025-10-26.

Conditions:
Inborn genetic diseases. Identifiers: MedGen C0950123, MeSH D030342.

gnomAD v4.1: 4 of 1,537,532 alleles (0.00026%); highest among the groups gnomAD compares: Non-Finnish European, 0.00035%; no homozygotes.

Submissions (2):

Labcorp Genetics (formerly Invitae), Labcorp
Classification: Uncertain significance. Last evaluated: 2025-10-26. Review status: criteria provided, single submitter. Criteria: Invitae Variant Classification Sherloc (09022015). Collection method: clinical testing. Allele origin: germline.
Comment: This sequence change replaces arginine, which is basic and polar, with serine, which is neutral and polar, at codon 340 of the WNT1 protein (p.Arg340Ser). This variant is not present in population databases (gnomAD no frequency). This variant has not been reported in the literature in individuals affected with WNT1-related conditions. ClinVar contains an entry for this variant (Variation ID: 3333191). Invitae Evidence Modeling of protein sequence and biophysical properties (such as structural, functional, and spatial information, amino acid conservation, physicochemical variation, residue mobility, and thermodynamic stability) indicates that this missense variant is not expected to disrupt WNT1 protein function with a negative predictive value of 80%. In summary, the available evidence is currently insufficient to determine the role of this variant in disease. Therefore, it has been classified as a Variant of Uncertain Significance.

Ambry Genetics
Classification: Uncertain significance for Inborn genetic diseases. Last evaluated: 2024-06-02. Review status: criteria provided, single submitter. Criteria: Ambry Variant Classification Scheme 2023. Collection method: clinical testing. Allele origin: germline.